The following is an entry in ClinVar:

NM_000163.5(GHR):c.184G>A (p.Glu62Lys)

Gene: GHR (growth hormone receptor; plus strand). Cytogenetic location: 5p12.
Variant type: single nucleotide variant.
Coding change: c.184G>A on transcript NM_000163.5 (MANE Select); coding-DNA position 184, G replaced by A.
Protein change: p.Glu62Lys; replaces glutamic acid 62 with lysine.
Molecular consequence: missense variant.
Genome position (GRCh38, 1-based): chr5:42,688,937, G>A. VCF-style: chr5-42688937-G-A. GRCh37 (hg19) VCF-style: chr5-42689039-G-A.
Other names: E44K; c.205G>A, p.Glu69Lys (NM_001242399.2); c.184G>A, p.Glu62Lys (NM_001242400.2, NM_001242401.4, NM_001242402.2 and 5 more transcripts); c.118G>A, p.Glu40Lys (NM_001242460.2); short protein forms E62K, E40K, E69K.
Identifiers: ClinVar variation 8636 (VCV000008636.4), dbSNP rs121909361, ClinGen allele CA119798.
Genomic context (GRCh38, chr5:42,688,937, plus strand): 5'-TTTTATTCTGCAGATTCTTCTAAGGAGCCTAAATTCACCAAGTGCCGTTCACCTGAGCGA[G>A]AGACTTTTTCATGCCACTGGACAGATGAGGTTCATCATGGTACAAAGAACCTAGGACCCA-3'
Protein context (NP_000154.1, residues 52-72): KFTKCRSPER[Glu62Lys]TFSCHWTDEV

ClinVar aggregate classification (germline): Conflicting classifications of pathogenicity. Review status: criteria provided, conflicting classifications (1 of 4 stars). 3 submissions from 3 submitters: Likely pathogenic (1); Uncertain significance (1). 1 of the submissions does not count toward it. Last evaluated 2025-08-20.

Conditions:
Growth hormone insensitivity syndrome. Identifiers: Orphanet 181393, MedGen C4318479, MONDO:0015892.
Short stature due to partial GHR deficiency. Also called: GROWTH HORMONE DEFICIENCY, ISOLATED PARTIAL; GROWTH HORMONE INSENSITIVITY, PARTIAL; Growth hormone, insensitivity to, partial. Identifiers: Orphanet 314802, Orphanet 314811, MedGen C1858656, MONDO:0011420, OMIM 604271.

Allele frequency attached by ClinVar (database versions not stated): gnomAD exomes 0.00002; TOPMed below 0.00001; gnomAD 0.00001 and 0.00002; ExAC 0.00002.
gnomAD v4.1: 12 of 1,613,458 alleles (0.00074%); highest among the groups gnomAD compares: Admixed American, 0.0017%; no homozygotes.

Submissions (3):

Labcorp Genetics (formerly Invitae), Labcorp
Classification: Uncertain significance. Last evaluated: 2025-08-20. Review status: criteria provided, single submitter. Criteria: Invitae Variant Classification Sherloc (09022015). Collection method: clinical testing. Allele origin: germline.
Comment: This sequence change replaces glutamic acid, which is acidic and polar, with lysine, which is basic and polar, at codon 62 of the GHR protein (p.Glu62Lys). This variant is present in population databases (rs121909361, gnomAD 0.003%). This missense change has been observed in individual(s) with clinical features of autosomal dominant growth hormone insensitivity syndrome (PMID: 7565946). This variant is also known as Glu44Lys. ClinVar contains an entry for this variant (Variation ID: 8636). Invitae Evidence Modeling of protein sequence and biophysical properties (such as structural, functional, and spatial information, amino acid conservation, physicochemical variation, residue mobility, and thermodynamic stability) indicates that this missense variant is not expected to disrupt GHR protein function with a negative predictive value of 80%. In summary, the available evidence is currently insufficient to determine the role of this variant in disease. Therefore, it has been classified as a Variant of Uncertain Significance.

Women's Health and Genetics/Laboratory Corporation of America, LabCorp
Classification: Likely pathogenic for Growth hormone insensitivity syndrome. Last evaluated: 2024-08-14. Review status: criteria provided, single submitter. Criteria: LabCorp Variant Classification Summary - May 2015. Collection method: clinical testing. Allele origin: germline.
Comment: Variant summary: GHR c.184G>A (p.Glu62Lys) results in a conservative amino acid change in the encoded protein sequence. Four of five in-silico tools predict a damaging effect of the variant on protein function. The variant allele was found at a frequency of 2.4e-05 in 251356 control chromosomes (gnomAD). c.184G>A has been reported in the literature in an individuals affected with partial growth hormone insensitivity and short stature (Goddard_1995). These data do not allow any conclusion about variant significance. This publication reports experimental evidence evaluating an impact on protein function, finding that the variant resulted in severely impaired GH binding. The following publication has been ascertained in the context of this evaluation (PMID: 7565946). ClinVar contains an entry for this variant (Variation ID: 8636). Based on the evidence outlined above, the variant was classified as likely pathogenic.

OMIM
Classification: Pathogenic for GROWTH HORMONE INSENSITIVITY, PARTIAL. Last evaluated: 1995-10-26. Review status: no assertion criteria provided. Collection method: literature only. Allele origin: germline. Not counted in ClinVar's aggregate classification.

Literature cited by the submitters: PubMed 7565946 (cited by 3 submitters).